The following is an entry in ClinVar:

ClinVar aggregate classification (germline): Likely pathogenic (1 of 4 stars; one submission).

Submission:

Labcorp Genetics (formerly Invitae), Labcorp
Classification: Likely pathogenic. Last evaluated: 2021-12-29. Review status: criteria provided, single submitter. Criteria: Invitae Variant Classification Sherloc (09022015). Collection method: clinical testing. Allele origin: germline.
Comment: In summary, the currently available evidence indicates that the variant is pathogenic, but additional data are needed to prove that conclusively. Therefore, this variant has been classified as Likely Pathogenic. Algorithms developed to predict the effect of sequence changes on RNA splicing suggest that this variant may disrupt the consensus splice site. This variant has not been reported in the literature in individuals affected with COL7A1-related conditions. This variant is not present in population databases (gnomAD no frequency). This sequence change affects an acceptor splice site in intron 70 of the COL7A1 gene. It is expected to disrupt splicing. Variants that disrupt the donor or acceptor splice site typically lead to a loss of protein function (PMID: 16199547), and loss-of-function variants in COL7A1 are known to be disease-causing for autosomal recessive dystrophic epidermolysis bullosa (PMID: 16971478). However, certain variants affecting donor or acceptor splice sites in the triple helical domain of COL7A1 are expected to result in in-frame exon skipping and have been reported to cause autosomal dominant dystrophic epidermolysis bullosa (PMID: 31670143).

Literature cited by the submitters: PubMed 16199547; PubMed 16971478; PubMed 31670143.

NM_000094.4(COL7A1):c.5821-2A>G

Gene: COL7A1 (collagen type VII alpha 1 chain; minus strand). Cytogenetic location: 3p21.31.
Variant type: single nucleotide variant.
Coding change: c.5821-2A>G on transcript NM_000094.4 (MANE Select); the canonical splice acceptor site of the intron before coding-DNA position 5821, A replaced by G.
Molecular consequence: splice acceptor variant.
Genome position (GRCh38, 1-based): chr3:48,575,904, T>C on the plus strand (A>G on the coding strand, the complement: COL7A1 is on the minus strand). VCF-style: chr3-48575904-T-C. GRCh37 (hg19) VCF-style: chr3-48613337-T-C.
Identifiers: ClinVar variation 1474884 (VCV001474884.6), dbSNP rs111775311, ClinGen allele CA352665875.
Genomic context (GRCh38, chr3:48,575,904, plus strand): 5'-CCCCCAGCCCCTAAACAACCCACCTTGATGCCAGCAGTTTCCAGCAACCGATCCACATTC[T>C]GGGGACAAAGTCTGGGTGAAGGGCTGCCCATGACAGAGAAGCTCCTGCCTTCTGCCCCGC-3'